The following is an entry in ClinVar:

ClinVar aggregate classification (germline): Uncertain significance (1 of 4 stars; one submission).

Submission:

GeneDx
Classification: Uncertain significance. Last evaluated: 2023-12-12. Review status: criteria provided, single submitter. Criteria: GeneDx Variant Classification Process June 2021. Collection method: clinical testing. Allele origin: germline. Affected: yes.
Comment: Not observed at significant frequency in large population cohorts (gnomAD); Has not been previously published as pathogenic or benign to our knowledge; Nonsense variant predicted to result in protein truncation or nonsense mediated decay in a gene for which loss-of-function is not an established mechanism of disease

NM_004521.3(KIF5B):c.2095C>T (p.Gln699Ter)

Gene: KIF5B (kinesin family member 5B; minus strand). Cytogenetic location: 10p11.22.
Variant type: single nucleotide variant.
Coding change: c.2095C>T on transcript NM_004521.3 (MANE Select); coding-DNA position 2095, C replaced by T.
Protein change: p.Gln699Ter; replaces glutamine 699 with a stop codon.
Molecular consequence: nonsense.
Genome position (GRCh38, 1-based): chr10:32,021,131, G>A on the plus strand (C>T on the coding strand, the complement: KIF5B is on the minus strand). VCF-style: chr10-32021131-G-A. GRCh37 (hg19) VCF-style: chr10-32310059-G-A.
Other names: short protein forms Q699*.
Identifiers: ClinVar variation 3365624 (VCV003365624.1).